The following is an entry in ClinVar:

ClinVar aggregate classification (germline): Uncertain significance (1 of 4 stars; one submission).

Conditions:
Retinitis pigmentosa 71 (RP71). Identifiers: Orphanet 791, MedGen C4225342, MONDO:0014618, OMIM 616394.
Short-rib thoracic dysplasia 10 with or without polydactyly (SRTD10). Identifiers: Orphanet 474, MedGen C3810175, MONDO:0014284, OMIM 615630.

Allele frequency attached by ClinVar (database versions not stated): gnomAD 0.00001.
gnomAD v4.1: 15 of 1,614,032 alleles (0.00093%); highest among the groups gnomAD compares: South Asian, 0.0022%; no homozygotes.

Submission:

Labcorp Genetics (formerly Invitae), Labcorp
Classification: Uncertain significance for Retinitis pigmentosa 71; Short-rib thoracic dysplasia 10 with or without polydactyly. Last evaluated: 2023-05-17. Review status: criteria provided, single submitter. Criteria: Invitae Variant Classification Sherloc (09022015). Collection method: clinical testing. Allele origin: germline.
Comment: In summary, the available evidence is currently insufficient to determine the role of this variant in disease. Therefore, it has been classified as a Variant of Uncertain Significance. Advanced modeling of protein sequence and biophysical properties (such as structural, functional, and spatial information, amino acid conservation, physicochemical variation, residue mobility, and thermodynamic stability) performed at Invitae indicates that this missense variant is expected to disrupt IFT172 protein function. This variant has not been reported in the literature in individuals affected with IFT172-related conditions. This variant is present in population databases (no rsID available, gnomAD 0.003%). This sequence change replaces methionine, which is neutral and non-polar, with threonine, which is neutral and polar, at codon 947 of the IFT172 protein (p.Met947Thr).

NM_015662.3(IFT172):c.2840T>C (p.Met947Thr)

Gene: IFT172 (intraflagellar transport 172; minus strand). Cytogenetic location: 2p23.3.
Variant type: single nucleotide variant.
Coding change: c.2840T>C on transcript NM_015662.3 (MANE Select); coding-DNA position 2840, T replaced by C.
Protein change: p.Met947Thr; replaces methionine 947 with threonine.
Molecular consequence: missense variant.
Genome position (GRCh38, 1-based): chr2:27,458,816, A>G on the plus strand (T>C on the coding strand, the complement: IFT172 is on the minus strand). VCF-style: chr2-27458816-A-G. GRCh37 (hg19) VCF-style: chr2-27681683-A-G.
Other names: c.2774T>C, p.Met925Thr (NM_001410739.1); short protein forms M925T, M947T.
Identifiers: ClinVar variation 2928658 (VCV002928658.1), dbSNP rs1196018893, ClinGen allele CA346381534.